The following is an entry in ClinVar:

ClinVar aggregate classification (germline): Likely pathogenic (1 of 4 stars; one submission).

Conditions:
Methylmalonic aciduria, cblA type (MACA). Also called: Methylmalonic aciduria, vitamin b12-responsive, due to defect in synthesis of adenosylcobalamin, cbla complementation type; MMA cbl A type; Methylmalonic acidemia cblA type; Methylmalonic aciduria, vitamin B12-responsive; Vitamin B12-responsive methylmalonic acidemia type cblA. Identifiers: Orphanet 28, Orphanet 79310, MedGen C1855109, MONDO:0009613, OMIM 251100.

Submission:

Myriad Genetics, Inc.
Classification: Likely pathogenic for Methylmalonic aciduria, cblA type. Last evaluated: 2022-02-02. Review status: criteria provided, single submitter. Criteria: Myriad Women's Health Autosomal Recessive and X-Linked Classification Criteria (2021). Collection method: clinical testing. Allele origin: unknown.
Comment: NM_172250.2(MMAA):c.785T>A(L262*) is expected to be pathogenic in the context of methylmalonic acidemia, cblA type. This variant is predicted to lead to an abnormal or absent protein product due to the creation of a premature termination codon in MMAA, a gene where loss-of-function variants are known to be pathogenic. Please note: this variant was assessed in the context of healthy population screening.

NM_172250.3(MMAA):c.785T>A (p.Leu262Ter)

Gene: MMAA (metabolism of cobalamin associated A; plus strand). Cytogenetic location: 4q31.21.
Variant type: single nucleotide variant.
Coding change: c.785T>A on transcript NM_172250.3 (MANE Select); coding-DNA position 785, T replaced by A.
Protein change: p.Leu262Ter; replaces leucine 262 with a stop codon.
Molecular consequence: nonsense.
Genome position (GRCh38, 1-based): chr4:145,651,113, T>A. VCF-style: chr4-145651113-T-A. GRCh37 (hg19) VCF-style: chr4-146572265-T-A.
Other names: c.785T>A, p.Leu262Ter (NM_001375644.1); short protein forms L262*.
Identifiers: ClinVar variation 1724238 (VCV001724238.2), dbSNP rs2546342963, ClinGen allele CA358341630.